The following is an entry in ClinVar:

ClinVar aggregate classification (germline): Uncertain significance (1 of 4 stars; one submission).

Submission:

Labcorp Genetics (formerly Invitae), Labcorp
Classification: Uncertain significance. Last evaluated: 2024-11-22. Review status: criteria provided, single submitter. Criteria: Invitae Variant Classification Sherloc (09022015). Collection method: clinical testing. Allele origin: germline.
Comment: This variant, c.1123_1134dup, results in the insertion of 4 amino acid(s) of the MYH3 protein (p.Glu375_Gly378dup), but otherwise preserves the integrity of the reading frame. This variant is not present in population databases (gnomAD no frequency). This variant has not been reported in the literature in individuals affected with MYH3-related conditions. In summary, the available evidence is currently insufficient to determine the role of this variant in disease. Therefore, it has been classified as a Variant of Uncertain Significance.

NM_002470.4(MYH3):c.1123_1134dup (p.Gly378_Thr379insGluProAspGly)

Gene: MYH3 (myosin heavy chain 3; minus strand). Cytogenetic location: 17p13.1.
Variant type: Duplication.
Coding change: c.1123_1134dup on transcript NM_002470.4 (MANE Select); coding-DNA positions 1123 to 1134, 12 bases duplicated (GAGCCGGATGGC).
Protein change: p.Gly378_Thr379insGluProAspGly.
Genome position (GRCh38, 1-based): chr17:10,645,714-10,645,725, GCCATCCGGCTC duplicated on the plus strand (GAGCCGGATGGC on the coding strand, the reverse complement: MYH3 is on the minus strand); duplicating any 12 consecutive bases within chr17:10,645,714-10,645,726 gives the same sequence; the c. name uses the placement nearest the transcript's 3' end. VCF-style (leftmost placement, unchanged base first): chr17-10645713-T-TGCCATCCGGCTC. GRCh37 (hg19) VCF-style: chr17-10549030-T-TGCCATCCGGCTC.
Identifiers: ClinVar variation 3725236 (VCV003725236.2).